The following is an entry in ClinVar:

NM_005428.4(VAV1):c.2015A>G (p.Tyr672Cys)

Gene: VAV1 (vav guanine nucleotide exchange factor 1; plus strand). Cytogenetic location: 19p13.3.
Variant type: single nucleotide variant.
Coding change: c.2015A>G on transcript NM_005428.4 (MANE Select); coding-DNA position 2015, A replaced by G.
Protein change: p.Tyr672Cys; replaces tyrosine 672 with cysteine.
Molecular consequence: missense variant.
Genome position (GRCh38, 1-based): chr19:6,848,000, A>G. VCF-style: chr19-6848000-A-G. GRCh37 (hg19) VCF-style: chr19-6848011-A-G.
Other names: c.1949A>G, p.Tyr650Cys (NM_001258206.2); c.1919A>G, p.Tyr640Cys (NM_001258207.2); short protein forms Y640C, Y672C, Y650C.
Identifiers: ClinVar variation 1359948 (VCV001359948.8), dbSNP rs2144822819, ClinGen allele CA403635115.

ClinVar aggregate classification (germline): Uncertain significance (1 of 4 stars; one submission).

Submission:

Labcorp Genetics (formerly Invitae), Labcorp
Classification: Uncertain significance. Last evaluated: 2021-06-08. Review status: criteria provided, single submitter. Criteria: Invitae Variant Classification Sherloc (09022015). Collection method: clinical testing. Allele origin: germline.
Comment: In summary, the available evidence is currently insufficient to determine the role of this variant in disease. Therefore, it has been classified as a Variant of Uncertain Significance. This sequence change replaces tyrosine with cysteine at codon 672 of the VAV1 protein (p.Tyr672Cys). The tyrosine residue is moderately conserved and there is a large physicochemical difference between tyrosine and cysteine. This variant is not present in population databases (ExAC no frequency). This variant has not been reported in the literature in individuals with VAV1-related conditions. Algorithms developed to predict the effect of missense changes on protein structure and function are either unavailable or do not agree on the potential impact of this missense change (SIFT: "Deleterious"; PolyPhen-2: "Probably Damaging"; Align-GVGD: "Class C0").